The following is an entry in ClinVar:

ClinVar aggregate classification (germline): Uncertain significance. Review status: criteria provided, multiple submitters, no conflicts (2 of 4 stars). 3 submissions from 3 submitters: Uncertain significance (3). Last evaluated 2025-02-25.

Conditions:
Cardiomyopathy (CMYO). Also called: Cardiomyopathies. Identifiers: Orphanet 167848, MedGen C0878544, MONDO:0004994, HP:0001638. Inheritance: Various modes of inheritance.
Lethal congenital glycogen storage disease of heart. Also called: PHOSPHORYLASE KINASE DEFICIENCY OF HEART; GLYCOGEN STORAGE DISEASE OF HEART. Identifiers: Orphanet 439854, MedGen C1849813, MONDO:0009867, OMIM 261740.

Allele frequency attached by ClinVar (database versions not stated): TOPMed below 0.00001; gnomAD 0.00001; gnomAD exomes 0.00001 and below 0.00001; ESP Exome Variant Server 0.00008.
gnomAD v4.1: 4 of 1,614,006 alleles (0.00025%); highest among the groups gnomAD compares: Admixed American, 0.0017%; no homozygotes.

Submissions (3):

GeneDx
Classification: Uncertain significance. Last evaluated: 2025-02-25. Review status: criteria provided, single submitter. Criteria: GeneDx Variant Classification Process June 2021. Collection method: clinical testing. Allele origin: germline. Affected: yes.
Comment: Not observed at significant frequency in large population cohorts (gnomAD); In silico analysis supports that this missense variant has a deleterious effect on protein structure/function; Has not been previously published as pathogenic or benign to our knowledge

Labcorp Genetics (formerly Invitae), Labcorp
Classification: Uncertain significance for Lethal congenital glycogen storage disease of heart. Last evaluated: 2023-10-04. Review status: criteria provided, single submitter. Criteria: Invitae Variant Classification Sherloc (09022015). Collection method: clinical testing. Allele origin: germline.
Comment: This sequence change replaces arginine, which is basic and polar, with histidine, which is basic and polar, at codon 501 of the PRKAG2 protein (p.Arg501His). This variant is present in population databases (rs144077131, gnomAD 0.003%). This variant has not been reported in the literature in individuals affected with PRKAG2-related conditions. ClinVar contains an entry for this variant (Variation ID: 656270). Advanced modeling of protein sequence and biophysical properties (such as structural, functional, and spatial information, amino acid conservation, physicochemical variation, residue mobility, and thermodynamic stability) performed at Invitae indicates that this missense variant is expected to disrupt PRKAG2 protein function. In summary, the available evidence is currently insufficient to determine the role of this variant in disease. Therefore, it has been classified as a Variant of Uncertain Significance.

Color Diagnostics, LLC DBA Color Health
Classification: Uncertain significance for Cardiomyopathy. Last evaluated: 2019-02-01. Review status: criteria provided, single submitter. Criteria: ACMG Guidelines, 2015. Collection method: clinical testing. Allele origin: germline.
Comment: Variant of Uncertain Significance due to insufficient evidence: This missense variant replaces arginine with histidine at codon 501 of the PRKAG2 protein. Computational prediction tools and conservation analyses suggest that this variant may have deleterious impact on the protein function. Computational splicing tools suggest that this variant may not impact RNA splicing. To our knowledge, functional assays have not been performed for this variant nor has this variant been reported in individuals affected with cardiovascular disorders in the literature. This variant has been identified in 1/246268 chromosomes in the general population by the Genome Aggregation Database (gnomAD). Available evidence is insufficient to determine the role of this variant in disease conclusively.

NM_016203.4(PRKAG2):c.1502G>A (p.Arg501His)

Gene: PRKAG2 (protein kinase AMP-activated non-catalytic subunit gamma 2; minus strand). Cytogenetic location: 7q36.1.
Variant type: single nucleotide variant.
Coding change: c.1502G>A on transcript NM_016203.4 (MANE Select); coding-DNA position 1502, G replaced by A.
Protein change: p.Arg501His; replaces arginine 501 with histidine.
Molecular consequence: missense variant.
Genome position (GRCh38, 1-based): chr7:151,564,160, C>T on the plus strand (G>A on the coding strand, the complement: PRKAG2 is on the minus strand). VCF-style: chr7-151564160-C-T. GRCh37 (hg19) VCF-style: chr7-151261246-C-T.
Other names: c.1370G>A, p.Arg457His (NM_001040633.2); c.1127G>A, p.Arg376His (NM_001304527.2); c.779G>A, p.Arg260His (NM_001304531.2, NM_024429.2); c.1130G>A, p.Arg377His (NM_001363698.2); short protein forms R260H, R377H, R501H, R376H, R457H.
Identifiers: ClinVar variation 656270 (VCV000656270.13), dbSNP rs144077131, ClinGen allele CA169165093.
Genomic context (GRCh38, chr7:151,564,160, plus strand): 5'-ACGATGGTCTCCAGTATTTCCAGCTTATTGCACTTCACAACACCTTCAAAATACTGTGAA[C>T]GGTGCTGAAGGGCCTGGGTCACCGTGATATCTAGGTTATTGTATGTTTTCTCAGCAGCAA-3'
Protein context (NP_057287.2, residues 491-511): DITVTQALQH[Arg501His]SQYFEGVVKC